The following is an entry in ClinVar:

ClinVar aggregate classification (germline): Uncertain significance (1 of 4 stars; one submission).

Conditions:
Combined immunodeficiency due to LRBA deficiency. Also called: Common variable immunodeficiency 8, with autoimmunity. Identifiers: Orphanet 445018, MedGen C3553512, MONDO:0013863, OMIM 614700.

Allele frequency attached by ClinVar (database versions not stated): gnomAD 0.00001.
gnomAD v4.1: 1 of 1,613,974 alleles (0.000062%); highest among the groups gnomAD compares: African/African-American, 0.0013%; no homozygotes.

Submission:

Labcorp Genetics (formerly Invitae), Labcorp
Classification: Uncertain significance for Combined immunodeficiency due to LRBA deficiency. Last evaluated: 2021-09-02. Review status: criteria provided, single submitter. Criteria: Invitae Variant Classification Sherloc (09022015). Collection method: clinical testing. Allele origin: germline.
Comment: This sequence change replaces glutamine with arginine at codon 972 of the LRBA protein (p.Gln972Arg). The glutamine residue is weakly conserved and there is a small physicochemical difference between glutamine and arginine. This variant is not present in population databases (ExAC no frequency). This variant has not been reported in the literature in individuals affected with LRBA-related conditions. Algorithms developed to predict the effect of missense changes on protein structure and function are either unavailable or do not agree on the potential impact of this missense change (SIFT: "Deleterious"; PolyPhen-2: "Benign"; Align-GVGD: "Class C0"). In summary, the available evidence is currently insufficient to determine the role of this variant in disease. Therefore, it has been classified as a Variant of Uncertain Significance.

NM_001364905.1(LRBA):c.2915A>G (p.Gln972Arg)

Gene: LRBA (LPS responsive beige-like anchor protein; minus strand). Cytogenetic location: 4q31.3.
Variant type: single nucleotide variant.
Coding change: c.2915A>G on transcript NM_001364905.1 (MANE Select); coding-DNA position 2915, A replaced by G.
Protein change: p.Gln972Arg; replaces glutamine 972 with arginine.
Molecular consequence: missense variant.
Genome position (GRCh38, 1-based): chr4:150,852,795, T>C on the plus strand (A>G on the coding strand, the complement: LRBA is on the minus strand). VCF-style: chr4-150852795-T-C. GRCh37 (hg19) VCF-style: chr4-151773947-T-C.
Other names: c.2915A>G, p.Gln972Arg (NM_001367550.1, NM_006726.5, NM_001199282.3); short protein forms Q972R.
Identifiers: ClinVar variation 1350327 (VCV001350327.5), dbSNP rs1750766977, ClinGen allele CA358460223.
Genomic context (GRCh38, chr4:150,852,795, plus strand): 5'-TTTTCATTACCATTTGTGGTGAAATGAGGACAGACAGGAGAATCCTTCGTATCTGGTTGC[T>C]GGGATCCTACTGAAACATTAATATCCCTTCTAATGCCAGAGGCTGCTTGAACTGAAGTTG-3'
Protein context (NP_001351834.1, residues 962-982): RRDINVSVGS[Gln972Arg]QPDTKDSPVC